The following is an entry in ClinVar:

ClinVar aggregate classification (germline): Uncertain significance (1 of 4 stars; one submission).

Conditions:
Bloom syndrome (BLM). Also called: Bloom-Torre-Machacek syndrome. Identifiers: Orphanet 125, MedGen C0005859, MONDO:0008876, OMIM 210900.

Submission:

Labcorp Genetics (formerly Invitae), Labcorp
Classification: Uncertain significance for Bloom syndrome. Last evaluated: 2019-09-30. Review status: criteria provided, single submitter. Criteria: Invitae Variant Classification Sherloc (09022015). Collection method: clinical testing. Allele origin: germline.
Comment: Algorithms developed to predict the effect of missense changes on protein structure and function are either unavailable or do not agree on the potential impact of this missense change (SIFT: "Tolerated"; PolyPhen-2: "Probably Damaging"; Align-GVGD: "Class C0"). This variant has not been reported in the literature in individuals with BLM-related conditions. This variant is not present in population databases (ExAC no frequency). This sequence change replaces asparagine with aspartic acid at codon 1164 of the BLM protein (p.Asn1164Asp). The asparagine residue is highly conserved and there is a small physicochemical difference between asparagine and aspartic acid. In summary, the available evidence is currently insufficient to determine the role of this variant in disease. Therefore, it has been classified as a Variant of Uncertain Significance.

NM_000057.4(BLM):c.3490A>G (p.Asn1164Asp)

Gene: BLM (BLM RecQ like helicase; plus strand). Cytogenetic location: 15q26.1.
Variant type: single nucleotide variant.
Coding change: c.3490A>G on transcript NM_000057.4 (MANE Select); coding-DNA position 3490, A replaced by G.
Protein change: p.Asn1164Asp; replaces asparagine 1164 with aspartic acid.
Molecular consequence: missense variant. On other transcripts: intron variant (1).
Genome position (GRCh38, 1-based): chr15:90,803,652, A>G. VCF-style: chr15-90803652-A-G. GRCh37 (hg19) VCF-style: chr15-91346882-A-G.
Other names: c.3490A>G, p.Asn1164Asp (NM_001287246.2); c.2365A>G, p.Asn789Asp (NM_001287248.2); c.3358+5315A>G (NM_001287247.2); short protein forms N1164D, N789D.
Identifiers: ClinVar variation 960318 (VCV000960318.10), dbSNP rs1897217918, ClinGen allele CA393847716.